The following is an entry in ClinVar:

NM_005883.3(APC2):c.6791C>A (p.Pro2264His)

Gene: APC2 (APC regulator of Wnt signaling pathway 2; plus strand). Cytogenetic location: 19p13.3.
Variant type: single nucleotide variant.
Coding change: c.6791C>A on transcript NM_005883.3 (MANE Select); coding-DNA position 6791, C replaced by A.
Protein change: p.Pro2264His; replaces proline 2264 with histidine.
Molecular consequence: missense variant.
Genome position (GRCh38, 1-based): chr19:1,470,092, C>A. VCF-style: chr19-1470092-C-A. GRCh37 (hg19) VCF-style: chr19-1470091-C-A.
Other names: c.6788C>A, p.Pro2263His (NM_001351273.1); short protein forms P2263H, P2264H.
Identifiers: ClinVar variation 1959628 (VCV001959628.5), dbSNP rs781280040, ClinGen allele CA9046192.

ClinVar aggregate classification (germline): Uncertain significance (1 of 4 stars; one submission).

Allele frequency attached by ClinVar (database versions not stated): ExAC 0.00001; TOPMed 0.00002.
gnomAD v4.1: 6 of 1,604,498 alleles (0.00037%); highest among the groups gnomAD compares: Admixed American, 0.0034%; no homozygotes.

Submission:

Labcorp Genetics (formerly Invitae), Labcorp
Classification: Uncertain significance. Last evaluated: 2024-03-04. Review status: criteria provided, single submitter. Criteria: Invitae Variant Classification Sherloc (09022015). Collection method: clinical testing. Allele origin: germline.
Comment: This sequence change replaces proline, which is neutral and non-polar, with histidine, which is basic and polar, at codon 2264 of the APC2 protein (p.Pro2264His). The frequency data for this variant in the population databases is considered unreliable, as metrics indicate poor data quality at this position in the gnomAD database. This variant has not been reported in the literature in individuals affected with APC2-related conditions. ClinVar contains an entry for this variant (Variation ID: 1959628). Advanced modeling of protein sequence and biophysical properties (such as structural, functional, and spatial information, amino acid conservation, physicochemical variation, residue mobility, and thermodynamic stability) performed at Invitae indicates that this missense variant is expected to disrupt APC2 protein function with a positive predictive value of 80%. In summary, the available evidence is currently insufficient to determine the role of this variant in disease. Therefore, it has been classified as a Variant of Uncertain Significance.